The following is an entry in ClinVar:

ClinVar aggregate classification (germline): Uncertain significance (1 of 4 stars; one submission).

gnomAD v4.1: 2 of 1,614,142 alleles (0.00012%); highest among the groups gnomAD compares: Non-Finnish European, 0.00017%; no homozygotes.

Submission:

Labcorp Genetics (formerly Invitae), Labcorp
Classification: Uncertain significance. Last evaluated: 2024-04-29. Review status: criteria provided, single submitter. Criteria: Invitae Variant Classification Sherloc (09022015). Collection method: clinical testing. Allele origin: germline.
Comment: This sequence change replaces serine, which is neutral and polar, with phenylalanine, which is neutral and non-polar, at codon 274 of the SON protein (p.Ser274Phe). This variant is not present in population databases (gnomAD no frequency). This variant has not been reported in the literature in individuals affected with SON-related conditions. ClinVar contains an entry for this variant (Variation ID: 1719536). An algorithm developed to predict the effect of missense changes on protein structure and function (PolyPhen-2) suggests that this variant is likely to be disruptive. In summary, the available evidence is currently insufficient to determine the role of this variant in disease. Therefore, it has been classified as a Variant of Uncertain Significance.

NM_138927.4(SON):c.821C>T (p.Ser274Phe)

Gene: SON (SON DNA and RNA binding protein; plus strand). Cytogenetic location: 21q22.11.
Variant type: single nucleotide variant.
Coding change: c.821C>T on transcript NM_138927.4 (MANE Select); coding-DNA position 821, C replaced by T.
Protein change: p.Ser274Phe; replaces serine 274 with phenylalanine.
Molecular consequence: missense variant. On other transcripts: non-coding transcript variant (1), intron variant (1).
Genome position (GRCh38, 1-based): chr21:33,550,052, C>T. VCF-style: chr21-33550052-C-T. GRCh37 (hg19) VCF-style: chr21-34922358-C-T.
Other names: c.821C>T, p.Ser274Phe (NM_001291411.2, NM_001412133.1, NM_032195.3 and 2 more transcripts); c.244+3673C>T (NM_001291412.3); short protein forms S274F.
Identifiers: ClinVar variation 1719536 (VCV001719536.5), dbSNP rs1423150997, ClinGen allele CA410152284.